The following is an entry in ClinVar:

NM_022168.4(IFIH1):c.2899G>A (p.Ala967Thr)

Gene: IFIH1 (interferon induced with helicase C domain 1; minus strand). Cytogenetic location: 2q24.2.
Variant type: single nucleotide variant.
Coding change: c.2899G>A on transcript NM_022168.4 (MANE Select); coding-DNA position 2899, G replaced by A.
Protein change: p.Ala967Thr; replaces alanine 967 with threonine.
Molecular consequence: missense variant.
Genome position (GRCh38, 1-based): chr2:162,267,379, C>T on the plus strand (G>A on the coding strand, the complement: IFIH1 is on the minus strand). VCF-style: chr2-162267379-C-T. GRCh37 (hg19) VCF-style: chr2-163123889-C-T.
Other names: c.2899G>A (NM_022168.2); short protein forms A967T.
Identifiers: ClinVar variation 1963246 (VCV001963246.6), dbSNP rs749488690, ClinGen allele CA1934021.

ClinVar aggregate classification (germline): Uncertain significance. Review status: criteria provided, multiple submitters, no conflicts (2 of 4 stars). 2 submissions from 2 submitters: Uncertain significance (2). Last evaluated 2025-08-14.

Conditions:
Singleton-Merten syndrome 1 (SGMRT1). Also called: Widened medullary cavities of bone, aortic calcification, abnormal dentition, and muscular weakness; Syndrome of widened medullary cavities of the metacarpals and phalanges, aortic calcification and abnormal dentition. Identifiers: Orphanet 85191, MedGen C4225427, MONDO:0024535, OMIM 182250.
Aicardi-Goutieres syndrome 7 (AGS7). Identifiers: Orphanet 51, MedGen C3888244, MONDO:0014367, OMIM 615846.
Inborn genetic diseases. Identifiers: MedGen C0950123, MeSH D030342.

Allele frequency attached by ClinVar (database versions not stated): ExAC 0.00002.
gnomAD v4.1: 2 of 1,613,816 alleles (0.00012%); highest among the groups gnomAD compares: Admixed American, 0.0033%; no homozygotes.

Submissions (2):

Ambry Genetics
Classification: Uncertain significance for Inborn genetic diseases. Last evaluated: 2025-08-14. Review status: criteria provided, single submitter. Criteria: Ambry Variant Classification Scheme 2023. Collection method: clinical testing. Allele origin: germline.

Labcorp Genetics (formerly Invitae), Labcorp
Classification: Uncertain significance for Aicardi-Goutieres syndrome 7; Singleton-Merten syndrome 1. Last evaluated: 2025-05-26. Review status: criteria provided, single submitter. Criteria: Invitae Variant Classification Sherloc (09022015). Collection method: clinical testing. Allele origin: germline.
Comment: This sequence change replaces alanine, which is neutral and non-polar, with threonine, which is neutral and polar, at codon 967 of the IFIH1 protein (p.Ala967Thr). This variant is present in population databases (rs749488690, gnomAD 0.006%). This variant has not been reported in the literature in individuals affected with IFIH1-related conditions. ClinVar contains an entry for this variant (Variation ID: 1963246). An algorithm developed to predict the effect of missense changes on protein structure and function (PolyPhen-2) suggests that this variant is likely to be tolerated. In summary, the available evidence is currently insufficient to determine the role of this variant in disease. Therefore, it has been classified as a Variant of Uncertain Significance.